The following is an entry in ClinVar:

NM_138576.4(BCL11B):c.514C>T (p.Arg172Cys)

Gene: BCL11B (BCL11 transcription factor B; minus strand). Cytogenetic location: 14q32.2.
Variant type: single nucleotide variant.
Coding change: c.514C>T on transcript NM_138576.4 (MANE Select); coding-DNA position 514, C replaced by T.
Protein change: p.Arg172Cys; replaces arginine 172 with cysteine.
Molecular consequence: missense variant. On other transcripts: intron variant (2).
Genome position (GRCh38, 1-based): chr14:99,231,471, G>A on the plus strand (C>T on the coding strand, the complement: BCL11B is on the minus strand). VCF-style: chr14-99231471-G-A. GRCh37 (hg19) VCF-style: chr14-99697808-G-A.
Other names: c.511C>T, p.Arg171Cys (NM_001282237.2); c.424+26000C>T (NM_001282238.2); c.427+26000C>T (NM_022898.3); c.514C>T (NM_138576.2); short protein forms R171C, R172C.
Identifiers: ClinVar variation 1036072 (VCV001036072.9), dbSNP rs557598154, ClinGen allele CA266104586.

ClinVar aggregate classification (germline): Uncertain significance. Review status: criteria provided, multiple submitters, no conflicts (2 of 4 stars). 2 submissions from 2 submitters: Uncertain significance (2). Last evaluated 2022-02-05.

Conditions:
Inborn genetic diseases. Identifiers: MedGen C0950123, MeSH D030342.

Allele frequency attached by ClinVar (database versions not stated): gnomAD exomes 0.00002; TOPMed 0.00002; gnomAD 0.00003 and 0.00004.
gnomAD v4.1: 89 of 1,600,262 alleles (0.0056%); highest among the groups gnomAD compares: Middle Eastern, 0.017%; no homozygotes.

Submissions (2):

Labcorp Genetics (formerly Invitae), Labcorp
Classification: Uncertain significance. Last evaluated: 2022-02-05. Review status: criteria provided, single submitter. Criteria: Invitae Variant Classification Sherloc (09022015). Collection method: clinical testing. Allele origin: germline.
Comment: The frequency data for this variant in the population databases is considered unreliable, as metrics indicate poor data quality at this position in the gnomAD database. This sequence change replaces arginine, which is basic and polar, with cysteine, which is neutral and slightly polar, at codon 172 of the BCL11B protein (p.Arg172Cys). This variant has not been reported in the literature in individuals affected with BCL11B-related conditions. In summary, the available evidence is currently insufficient to determine the role of this variant in disease. Therefore, it has been classified as a Variant of Uncertain Significance. Algorithms developed to predict the effect of missense changes on protein structure and function are either unavailable or do not agree on the potential impact of this missense change (SIFT: "Deleterious"; PolyPhen-2: "Benign"; Align-GVGD: "Class C0"). ClinVar contains an entry for this variant (Variation ID: 1036072).

Ambry Genetics
Classification: Uncertain significance for Inborn genetic diseases. Last evaluated: 2021-06-22. Review status: criteria provided, single submitter. Criteria: Ambry Variant Classification Scheme 2023. Collection method: clinical testing. Allele origin: germline.